The following is an entry in ClinVar:

ClinVar aggregate classification (germline): Uncertain significance (1 of 4 stars; one submission).

Conditions:
Hereditary cancer-predisposing syndrome. Also called: Tumor predisposition; Hereditary neoplastic syndrome; Hereditary Cancer Syndrome; Neoplastic Syndromes, Hereditary. Identifiers: Orphanet 140162, MedGen C0027672, MeSH D009386, MONDO:0015356.

Submission:

Ambry Genetics
Classification: Uncertain significance for Hereditary cancer-predisposing syndrome. Last evaluated: 2025-05-27. Review status: criteria provided, single submitter. Criteria: Ambry Variant Classification Scheme 2023. Collection method: clinical testing. Allele origin: germline.
Comment: The p.N455D variant (also known as c.1363A>G), located in coding exon 10 of the SDHA gene, results from an A to G substitution at nucleotide position 1363. The asparagine at codon 455 is replaced by aspartic acid, an amino acid with highly similar properties. This amino acid position is conserved. In addition, the in silico prediction for this alteration is inconclusive. Based on the available evidence, the clinical significance of this variant remains unclear.

NM_004168.4(SDHA):c.1363A>G (p.Asn455Asp)

Gene: SDHA (succinate dehydrogenase complex flavoprotein subunit A; plus strand). Cytogenetic location: 5p15.33.
Variant type: single nucleotide variant.
Coding change: c.1363A>G on transcript NM_004168.4 (MANE Select); coding-DNA position 1363, A replaced by G.
Protein change: p.Asn455Asp; replaces asparagine 455 with aspartic acid.
Molecular consequence: missense variant.
Genome position (GRCh38, 1-based): chr5:236,530, A>G. VCF-style: chr5-236530-A-G. GRCh37 (hg19) VCF-style: chr5-236645-A-G.
Other names: c.1219A>G, p.Asn407Asp (NM_001294332.2); c.1363A>G, p.Asn455Asp (NM_001330758.2); short protein forms N407D, N455D.
Identifiers: ClinVar variation 3951325 (VCV003951325.1).